The following is an entry in ClinVar:

NM_004341.5(CAD):c.44A>G (p.Gln15Arg)

Gene: CAD (carbamoyl-phosphate synthetase 2, aspartate transcarbamylase, and dihydroorotase; plus strand). Cytogenetic location: 2p23.3.
Variant type: single nucleotide variant.
Coding change: c.44A>G on transcript NM_004341.5 (MANE Select); coding-DNA position 44, A replaced by G.
Protein change: p.Gln15Arg; replaces glutamine 15 with arginine.
Molecular consequence: missense variant.
Genome position (GRCh38, 1-based): chr2:27,217,595, A>G. VCF-style: chr2-27217595-A-G. GRCh37 (hg19) VCF-style: chr2-27440463-A-G.
Other names: c.44A>G, p.Gln15Arg (NM_001306079.2); short protein forms Q15R.
Identifiers: ClinVar variation 1439994 (VCV001439994.4), dbSNP rs1432906098, ClinGen allele CA346195900.

ClinVar aggregate classification (germline): Uncertain significance (1 of 4 stars; one submission).

Allele frequency attached by ClinVar (database versions not stated): gnomAD 0.00001; gnomAD exomes 0.00001; TOPMed 0.00002.
gnomAD v4.1: 5 of 1,608,748 alleles (0.00031%); highest among the groups gnomAD compares: Admixed American, 0.0067%; no homozygotes.

Submission:

Labcorp Genetics (formerly Invitae), Labcorp
Classification: Uncertain significance. Last evaluated: 2024-10-29. Review status: criteria provided, single submitter. Criteria: Invitae Variant Classification Sherloc (09022015). Collection method: clinical testing. Allele origin: germline.
Comment: This sequence change replaces glutamine, which is neutral and polar, with arginine, which is basic and polar, at codon 15 of the CAD protein (p.Gln15Arg). The frequency data for this variant in the population databases is considered unreliable, as metrics indicate poor data quality at this position in the gnomAD database. This variant has not been reported in the literature in individuals affected with CAD-related conditions. ClinVar contains an entry for this variant (Variation ID: 1439994). Invitae Evidence Modeling of protein sequence and biophysical properties (such as structural, functional, and spatial information, amino acid conservation, physicochemical variation, residue mobility, and thermodynamic stability) indicates that this missense variant is not expected to disrupt CAD protein function with a negative predictive value of 80%. In summary, the available evidence is currently insufficient to determine the role of this variant in disease. Therefore, it has been classified as a Variant of Uncertain Significance.